The following is an entry in ClinVar:

ClinVar aggregate classification (germline): Uncertain significance. Review status: reviewed by expert panel (3 of 4 stars). 6 submissions from 6 submitters: Uncertain significance (1). 5 of the submissions do not count toward it. Last evaluated 2024-03-08.

Conditions:
Histiocytic medullary reticulosis. Also called: SEVERE COMBINED IMMUNODEFICIENCY WITH HYPEREOSINOPHILIA; Omenn syndrome. Identifiers: Orphanet 39041, MedGen C2700553, MONDO:0011338, OMIM 603554.
Severe combined immunodeficiency due to DCLRE1C deficiency (RS-SCID). Also called: SCID, AUTOSOMAL RECESSIVE, T CELL-NEGATIVE, B CELL-NEGATIVE, NK CELL-POSITIVE, WITH SENSITIVITY TO IONIZING RADIATION. Identifiers: Orphanet 275, MedGen C1865371, MONDO:0011225, OMIM 602450.
Inborn genetic diseases. Identifiers: MedGen C0950123, MeSH D030342.

Allele frequency attached by ClinVar (database versions not stated): gnomAD 0.00004; TOPMed 0.00005; gnomAD exomes 0.00004; ExAC 0.00005.

Submissions (6):

ClinGen Severe Combined Immunodeficiency Variant Curation Expert Panel, ClinGen
Classification: Uncertain significance for Severe combined immunodeficiency due to DCLRE1C deficiency. Last evaluated: 2024-03-08. Review status: reviewed by expert panel. Criteria: ClinGen SCID ACMG Specifications DCLRE1C V1.0.0. Collection method: curation. Allele origin: germline. Inheritance: Autosomal recessive inheritance.
Comment: NM_001033855.3(DCLRE1C):c.1991G>A is a missense variant predicted to cause substitution of Arginine by Glutamine at amino acid 664 (p.Arg664Gln). The filtering allele frequency (the upper threshold of the 95% CI of 4/59972) of the c.1991G>A variant in DCLRE1C is 0.00002985 for Admixed American chromosomes by gnomAD v4, which is lower than the ClinGen SCID VCEP threshold (<0.00003266) for PM2_Supporting, and therefore meets this criterion (PM2_Supporting). No homozygotes have been observed in gnomAD. To our knowledge, this variant has not been reported in the literature in individuals affected with SCID/DCLRE1C-related conditions or in functional studies. In summary, this variant meets the criteria to be classified as a variant of uncertain significance for autosomal recessive severe combined immunodeficiency due to DCLRE1C deficiency based on the ACMG/AMP criteria applied, as specified by the ClinGen SCID VCEP: PM2_Supporting (VCEP specifications version 1).

Blueprint Genetics
Classification: Likely benign. Last evaluated: 2024-10-17. Review status: criteria provided, single submitter. Criteria: ACMG Guidelines, 2015. Collection method: clinical testing. Allele origin: germline. Not counted in ClinVar's aggregate classification.

Labcorp Genetics (formerly Invitae), Labcorp
Classification: Uncertain significance for Athabaskan severe combined immunodeficiency. Last evaluated: 2022-08-08. Review status: criteria provided, single submitter. Criteria: Invitae Variant Classification Sherloc (09022015). Collection method: clinical testing. Allele origin: germline. Not counted in ClinVar's aggregate classification.
Comment: This sequence change replaces arginine, which is basic and polar, with glutamine, which is neutral and polar, at codon 664 of the DCLRE1C protein (p.Arg664Gln). This variant is present in population databases (rs779159378, gnomAD 0.03%). This variant has not been reported in the literature in individuals affected with DCLRE1C-related conditions. ClinVar contains an entry for this variant (Variation ID: 654335). Algorithms developed to predict the effect of missense changes on protein structure and function output the following: SIFT: "Tolerated"; PolyPhen-2: "Benign"; Align-GVGD: "Class C0". The glutamine amino acid residue is found in multiple mammalian species, which suggests that this missense change does not adversely affect protein function. In summary, the available evidence is currently insufficient to determine the role of this variant in disease. Therefore, it has been classified as a Variant of Uncertain Significance.

Ambry Genetics
Classification: Likely benign for Inborn genetic diseases. Last evaluated: 2022-01-10. Review status: criteria provided, single submitter. Criteria: Ambry Variant Classification Scheme 2023. Collection method: clinical testing. Allele origin: germline. Not counted in ClinVar's aggregate classification.

Department of Pathology and Laboratory Medicine, Sinai Health System
Classification: Uncertain significance for severe combined immunodeficiency due to DCLRE1C deficiency. Last evaluated: 2021-11-12. Review status: criteria provided, single submitter. Criteria: ACMG Guidelines, 2015. Collection method: research. Allele origin: germline. Not counted in ClinVar's aggregate classification.

Natera, Inc.
Classification: Uncertain significance for Omenn syndrome. Last evaluated: 2020-09-16. Review status: no assertion criteria provided. Collection method: clinical testing. Allele origin: germline. Not counted in ClinVar's aggregate classification.

NM_001033855.3(DCLRE1C):c.1991G>A (p.Arg664Gln)

Gene: DCLRE1C (DNA cross-link repair 1C; minus strand). Cytogenetic location: 10p13.
Variant type: single nucleotide variant.
Coding change: c.1991G>A on transcript NM_001033855.3 (MANE Select); coding-DNA position 1991, G replaced by A.
Protein change: p.Arg664Gln; replaces arginine 664 with glutamine.
Molecular consequence: missense variant. On other transcripts: non-coding transcript variant (3), intron variant (3).
Genome position (GRCh38, 1-based): chr10:14,908,496, C>T on the plus strand (G>A on the coding strand, the complement: DCLRE1C is on the minus strand). VCF-style: chr10-14908496-C-T. GRCh37 (hg19) VCF-style: chr10-14950495-C-T.
Other names: NM_001033855.3(DCLRE1C):c.1991G>A; p.Arg664Gln; c.1631G>A, p.Arg544Gln (NM_001033857.3, NM_001033858.3, NM_001289077.2 and 1 more transcripts); c.1646G>A, p.Arg549Gln (NM_001289076.2, NM_001289078.2, NM_022487.4); c.1437+209G>A (NM_001350966.2); c.1782+209G>A (NM_001350965.2); c.1422+209G>A (NM_001350967.2); c.1991G>A (NM_001033855.1); short protein forms R544Q, R664Q, R549Q.
Identifiers: ClinVar variation 654335 (VCV000654335.6), dbSNP rs779159378, ClinGen allele CA5416353.
Genomic context (GRCh38, chr10:14,908,496, plus strand): 5'-TTTTTGACTGCTATACTCTCACCAGTTGCCAGCTTCTCATATAAATATTGTAAATGCTCT[C>T]GTTTAGGTAACTCAGCTTCTGGAGTTGAGGGAACTTCAAAATCAGAAGAGCTCTGGGAAT-3'
Protein context (NP_001029027.1, residues 654-674): PSTPEAELPK[Arg664Gln]EHLQYLYEKL